The following is an entry in ClinVar:

ClinVar aggregate classification (germline): Uncertain significance. Review status: criteria provided, multiple submitters, no conflicts (2 of 4 stars). 2 submissions from 2 submitters: Uncertain significance (2). Last evaluated 2024-03-07.

Conditions:
Hereditary cancer-predisposing syndrome. Also called: Tumor predisposition; Hereditary neoplastic syndrome; Hereditary Cancer Syndrome; Neoplastic Syndromes, Hereditary. Identifiers: Orphanet 140162, MedGen C0027672, MeSH D009386, MONDO:0015356.

Submissions (2):

Labcorp Genetics (formerly Invitae), Labcorp
Classification: Uncertain significance. Last evaluated: 2024-03-07. Review status: criteria provided, single submitter. Criteria: Invitae Variant Classification Sherloc (09022015). Collection method: clinical testing. Allele origin: germline.
Comment: This sequence change disrupts the translational stop signal of the NTHL1 mRNA. It is expected to extend the length of the NTHL1 protein by 28 additional amino acid residues. This variant is not present in population databases (gnomAD no frequency). This variant has not been reported in the literature in individuals affected with NTHL1-related conditions. Experimental studies and prediction algorithms are not available or were not evaluated, and the functional significance of this variant is currently unknown. In summary, the available evidence is currently insufficient to determine the role of this variant in disease. Therefore, it has been classified as a Variant of Uncertain Significance.

Sema4
Classification: Uncertain significance for Hereditary cancer-predisposing syndrome. Last evaluated: 2022-03-13. Review status: criteria provided, single submitter. Criteria: Sema4 Curation Guidelines. Collection method: curation. Allele origin: germline.
Comment: The NTHL1 c.936_937dup (p.X313SfsextX28) variant has not been reported in the literature to our knowledge. This variant causes a loss of the natural stop codon and extends the length of the protein by 28 amino acids. It was not observed in the large and broad cohorts of the Genome Aggregation Database (PMID: 32461654). The variant has not been reported in ClinVar. Based on the current evidence available, this variant is interpreted as a variant of uncertain significance.

NM_002528.7(NTHL1):c.912_913dup (p.Ter305SerextTer?)

Gene: NTHL1 (nth like DNA glycosylase 1; minus strand). Cytogenetic location: 16p13.3.
Variant type: Microsatellite.
Coding change: c.912_913dup on transcript NM_002528.7 (MANE Select); coding-DNA positions 912 to 913, 2 bases duplicated (CT; older notation c.912_913dupCT).
Protein change: p.Ter305SerextTer?.
Molecular consequence: frameshift variant, stop lost.
Genome position (GRCh38, 1-based): chr16:2,039,926-2,039,927, AG duplicated on the plus strand (CT on the coding strand, the reverse complement: NTHL1 is on the minus strand); duplicating any 2 consecutive bases within chr16:2,039,926-2,039,930 gives the same sequence; the c. name uses the placement nearest the transcript's 3' end. VCF-style (leftmost placement, unchanged base first): chr16-2039925-C-CAG. GRCh37 (hg19) VCF-style: chr16-2089926-C-CAG.
Other names: c.741_742dup, p.Ter248SerextTer? (NM_001318193.2); c.582_583dup, p.Ter195SerextTer? (NM_001318194.2).
Identifiers: ClinVar variation 1461151 (VCV001461151.7), dbSNP rs2150937701, ClinGen allele CA2580613362.